The following is an entry in ClinVar:

NM_005334.3(HCFC1):c.97C>T (p.Arg33Cys)

Gene: HCFC1 (host cell factor C1; minus strand). Cytogenetic location: Xq28.
Variant type: single nucleotide variant.
Coding change: c.97C>T on transcript NM_005334.3 (MANE Select); coding-DNA position 97, C replaced by T.
Protein change: p.Arg33Cys; replaces arginine 33 with cysteine.
Molecular consequence: missense variant.
Genome position (GRCh38, 1-based): chrX:153,970,744, G>A on the plus strand (C>T on the coding strand, the complement: HCFC1 is on the minus strand). VCF-style: chrX-153970744-G-A. GRCh37 (hg19) VCF-style: chrX-153236195-G-A.
Other names: c.97C>T, p.Arg33Cys (NM_001410705.1); short protein forms R33C.
Identifiers: ClinVar variation 3893250 (VCV003893250.1).
Genomic context (GRCh38, chrX:153,970,744, plus strand): 5'-CGTTGCCGCCGCCAAACACCACGATGAGCTCCTTGATGGCCACGGCGCGGTGGCCGTGGC[G>A]GGGCCGTGGCACCGGACCCGACCAGCCCACCACTCGCTTCCAGCGGGGCTGCAGAAGCAC-3'
Protein context (NP_005325.2, residues 23-43): VGWSGPVPRP[Arg33Cys]HGHRAVAIKE

ClinVar aggregate classification (germline): Likely pathogenic (1 of 4 stars; one submission).

Conditions:
Methylmalonic acidemia with homocystinuria, type cblX (MAHCX). Also called: INTELLECTUAL DEVELOPMENTAL DISORDER, X-LINKED 3. Identifiers: Orphanet 369962, MedGen C0796208, MONDO:0010657, OMIM 309541.

Submission:

Illumina Laboratory Services, Illumina
Classification: Likely pathogenic for Methylmalonic acidemia with homocystinuria, type cblX. Last evaluated: 2024-02-29. Review status: criteria provided, single submitter. Criteria: ICSLVariantClassificationCriteria RUGD 01 April 2020. Collection method: clinical testing. Allele origin: unknown.
Comment: The HCFC1 c.97C>T p.(Arg33Cys) missense variant has not, to our knowledge, been reported in the peer-reviewed literature. This variant is not observed in version 2.1.1 or version 4.0.0 of the Genome Aggregation Database. The p.(Arg33Cys) variant is located in Kelch domain and multiple lines of computational evidence suggest the variant may impact the gene or gene product. Based on the available evidence, the c.97C>T p.(Arg33Cys) variant is classified as likely pathogenic for methylmalonic acidemia and homocysteinemia, cblX type.